The following is an entry in ClinVar:

ClinVar aggregate classification (germline): Uncertain significance (1 of 4 stars; one submission).

Conditions:
Idiopathic generalized epilepsy. Also called: Generalised epilepsy; EIG. Identifiers: MedGen C0270850, MONDO:0005579, OMIM 600669.

Submission:

Labcorp Genetics (formerly Invitae), Labcorp
Classification: Uncertain significance for Idiopathic generalized epilepsy. Last evaluated: 2022-03-26. Review status: criteria provided, single submitter. Criteria: Invitae Variant Classification Sherloc (09022015). Collection method: clinical testing. Allele origin: germline.
Comment: In summary, the available evidence is currently insufficient to determine the role of this variant in disease. Therefore, it has been classified as a Variant of Uncertain Significance. Variants that disrupt the consensus splice site are a relatively common cause of aberrant splicing (PMID: 17576681, 9536098). Algorithms developed to predict the effect of sequence changes on RNA splicing suggest that this variant may disrupt the consensus splice site. This variant has not been reported in the literature in individuals affected with RBFOX1-related conditions. This variant is not present in population databases (gnomAD no frequency). This sequence change falls in intron 6 of the RBFOX1 gene. It does not directly change the encoded amino acid sequence of the RBFOX1 protein. It affects a nucleotide within the consensus splice site.

Literature cited by the submitters: PubMed 17576681; PubMed 9536098.

NM_018723.4(RBFOX1):c.622+3_622+4del

Gene: RBFOX1 (RNA binding fox-1 homolog 1; plus strand). Cytogenetic location: 16p13.3.
Variant type: Deletion.
Coding change: c.622+3_622+4del on transcript NM_018723.4 (MANE Select); bases 3 to 4 of the intron after coding-DNA position 622, 2 bases deleted (AA; older notation c.622+3_622+4delAA).
Molecular consequence: intron variant.
Genome position (GRCh38, 1-based): chr16:7,597,434-7,597,435, AA deleted. VCF-style (leftmost placement, unchanged base first): chr16-7597433-TAA-T. GRCh37 (hg19) VCF-style: chr16-7647435-TAA-T.
Other names: c.622+3_622+4del (NM_001364800.2, NM_001142333.2, NM_001142334.2); c.751+3_751+4del (NM_001308117.1); c.682+3_682+4del (NM_145893.3, NM_145891.3, NM_145892.3).
Identifiers: ClinVar variation 2117929 (VCV002117929.4), dbSNP rs2509879280, ClinGen allele CA2580091196.